The following is an entry in ClinVar:

ClinVar aggregate classification (germline): Uncertain significance. Review status: criteria provided, multiple submitters, no conflicts (2 of 4 stars). 2 submissions from 2 submitters: Uncertain significance (2). Last evaluated 2023-12-28.

Conditions:
Inborn genetic diseases. Identifiers: MedGen C0950123, MeSH D030342.
Charcot-Marie-Tooth disease type 2E (CMT2E). Also called: CHARCOT-MARIE-TOOTH DISEASE, AXONAL, TYPE 2E; CHARCOT-MARIE-TOOTH NEUROPATHY, TYPE 2E. Identifiers: Orphanet 99939, MedGen C1843225, MONDO:0011894, OMIM 607684.

Allele frequency attached by ClinVar (database versions not stated): gnomAD 0.00001; TOPMed 0.00001.
gnomAD v4.1: 3 of 1,584,806 alleles (0.00019%); highest among the groups gnomAD compares: African/African-American, 0.0014%; no homozygotes.

Submissions (2):

Ambry Genetics
Classification: Uncertain significance for Inborn genetic diseases. Last evaluated: 2023-12-28. Review status: criteria provided, single submitter. Criteria: Ambry Variant Classification Scheme 2023. Collection method: clinical testing. Allele origin: germline.
Comment: The c.1044+5G>C intronic alteration consists of a G to C substitution nucleotides after coding exon 1 in the NEFL gene. Based on insufficient or conflicting evidence, the clinical significance of this alteration remains unclear.

Labcorp Genetics (formerly Invitae), Labcorp
Classification: Uncertain significance for Charcot-Marie-Tooth disease type 2E. Last evaluated: 2023-04-25. Review status: criteria provided, single submitter. Criteria: Invitae Variant Classification Sherloc (09022015). Collection method: clinical testing. Allele origin: germline.
Comment: This sequence change falls in intron 1 of the NEFL gene. It does not directly change the encoded amino acid sequence of the NEFL protein. It affects a nucleotide within the consensus splice site. This variant is not present in population databases (gnomAD no frequency). This variant has not been reported in the literature in individuals affected with NEFL-related conditions. ClinVar contains an entry for this variant (Variation ID: 575696). Variants that disrupt the consensus splice site are a relatively common cause of aberrant splicing (PMID: 17576681, 9536098). Algorithms developed to predict the effect of sequence changes on RNA splicing suggest that this variant is not likely to affect RNA splicing. In summary, the available evidence is currently insufficient to determine the role of this variant in disease. Therefore, it has been classified as a Variant of Uncertain Significance.

Literature cited by the submitters: PubMed 17576681 (cited by Labcorp Genetics (formerly Invitae), Labcorp); PubMed 9536098 (cited by Labcorp Genetics (formerly Invitae), Labcorp).

NM_006158.5(NEFL):c.1044+5G>C

Gene: NEFL (neurofilament light chain; minus strand). Cytogenetic location: 8p21.2.
Variant type: single nucleotide variant.
Coding change: c.1044+5G>C on transcript NM_006158.5 (MANE Select); 5 bases into the intron after coding-DNA position 1044, G replaced by C.
Molecular consequence: intron variant.
Genome position (GRCh38, 1-based): chr8:24,955,467, C>G on the plus strand (G>C on the coding strand, the complement: NEFL is on the minus strand). VCF-style: chr8-24955467-C-G. GRCh37 (hg19) VCF-style: chr8-24812981-C-G.
Other names: c.1044+5G>C (NM_006158.3).
Identifiers: ClinVar variation 575696 (VCV000575696.6), dbSNP rs779620367, ClinGen allele CA580954019.